The following is an entry in ClinVar:

ClinVar aggregate classification (germline): Uncertain significance (1 of 4 stars; one submission).

gnomAD v4.1: 16 of 1,612,562 alleles (0.00099%); highest among the groups gnomAD compares: Non-Finnish European, 0.0014%; no homozygotes.

Submission:

Labcorp Genetics (formerly Invitae), Labcorp
Classification: Uncertain significance. Last evaluated: 2025-10-31. Review status: criteria provided, single submitter. Criteria: Invitae Variant Classification Sherloc (09022015). Collection method: clinical testing. Allele origin: germline.
Comment: This sequence change replaces serine, which is neutral and polar, with tyrosine, which is neutral and polar, at codon 1137 of the JAK1 protein (p.Ser1137Tyr). This variant is not present in population databases (gnomAD no frequency). This variant has not been reported in the literature in individuals affected with JAK1-related conditions. Invitae Evidence Modeling of protein sequence and biophysical properties (such as structural, functional, and spatial information, amino acid conservation, physicochemical variation, residue mobility, and thermodynamic stability) indicates that this missense variant is not expected to disrupt JAK1 protein function with a negative predictive value of 80%. In summary, the available evidence is currently insufficient to determine the role of this variant in disease. Therefore, it has been classified as a Variant of Uncertain Significance.

NM_002227.4(JAK1):c.3410C>A (p.Ser1137Tyr)

Gene: JAK1 (Janus kinase 1; minus strand). Cytogenetic location: 1p31.3.
Variant type: single nucleotide variant.
Coding change: c.3410C>A on transcript NM_002227.4 (MANE Select); coding-DNA position 3410, C replaced by A.
Protein change: p.Ser1137Tyr; replaces serine 1137 with tyrosine.
Molecular consequence: missense variant.
Genome position (GRCh38, 1-based): chr1:64,834,617, G>T on the plus strand (C>A on the coding strand, the complement: JAK1 is on the minus strand). VCF-style: chr1-64834617-G-T. GRCh37 (hg19) VCF-style: chr1-65300300-G-T.
Other names: c.3410C>A, p.Ser1137Tyr (NM_001320923.2, NM_001321852.2, NM_001321853.2 and 3 more transcripts); c.3407C>A, p.Ser1136Tyr (NM_001321857.2); short protein forms S1136Y, S1137Y.
Identifiers: ClinVar variation 4811772 (VCV004811772.1).